The following is an entry in ClinVar:

ClinVar aggregate classification (germline): Likely pathogenic (1 of 4 stars; one submission).

Conditions:
KAT6A-related disorder. Also called: KAT6A-related condition.

Submission:

PreventionGenetics, part of Exact Sciences
Classification: Likely pathogenic for KAT6A-related condition. Last evaluated: 2022-09-28. Review status: criteria provided, single submitter. Criteria: ACMG Guidelines, 2015. Collection method: clinical testing. Allele origin: germline.
Comment: The KAT6A c.831delC variant is predicted to result in a frameshift and premature protein termination (p.Asn277Lysfs*51). To our knowledge, this variant has not been reported in the literature or in a large population database, indicating this variant is rare. Frameshift variants in KAT6A are expected to be pathogenic. This variant is interpreted as likely pathogenic.

NM_006766.5(KAT6A):c.831del (p.Asn277fs)

Gene: KAT6A (lysine acetyltransferase 6A; minus strand). Cytogenetic location: 8p11.21.
Variant type: Deletion.
Coding change: c.831del on transcript NM_006766.5 (MANE Select); coding-DNA position 831, one base deleted (C; older notation c.831delC).
Protein change: p.Asn277fs; shifts the reading frame from asparagine 277.
Molecular consequence: frameshift variant.
Genome position (GRCh38, 1-based): chr8:41,980,922, G deleted on the plus strand (C on the coding strand, the reverse complement: KAT6A is on the minus strand). VCF-style (leftmost placement, unchanged base first): chr8-41980921-TG-T. GRCh37 (hg19) VCF-style: chr8-41838439-TG-T.
Other names: c.831del, p.Asn277fs (NM_001305878.2); short protein forms N277fs.
Identifiers: ClinVar variation 2637009 (VCV002637009.1), dbSNP rs2486822374, ClinGen allele CA2695199727.